The following is an entry in ClinVar:

NM_001370466.1(NOD2):c.497A>G (p.Asn166Ser)

Gene: NOD2 (nucleotide binding oligomerization domain containing 2; plus strand). Cytogenetic location: 16q12.1.
Variant type: single nucleotide variant.
Coding change: c.497A>G on transcript NM_001370466.1 (MANE Select); coding-DNA position 497, A replaced by G.
Protein change: p.Asn166Ser; replaces asparagine 166 with serine.
Molecular consequence: missense variant. On other transcripts: non-coding transcript variant (1).
Genome position (GRCh38, 1-based): chr16:50,707,892, A>G. VCF-style: chr16-50707892-A-G. GRCh37 (hg19) VCF-style: chr16-50741803-A-G.
Other names: c.497A>G, p.Asn166Ser (NM_001293557.2); c.578A>G, p.Asn193Ser (NM_022162.3); short protein forms N166S, N193S.
Identifiers: ClinVar variation 952465 (VCV000952465.10), dbSNP rs1964272038, ClinGen allele CA395867110.

ClinVar aggregate classification (germline): Uncertain significance (1 of 4 stars; one submission).

Conditions:
Regional enteritis. Also called: Enteritis, Granulomatous. Identifiers: MedGen C0678202, MeSH D003424.
Blau syndrome (BLAUS). Also called: GRANULOMATOSIS, FAMILIAL JUVENILE SYSTEMIC; GRANULOMATOSIS, FAMILIAL, BLAU TYPE; GRANULOMATOUS INFLAMMATORY ARTHRITIS, DERMATITIS, AND UVEITIS, FAMILIAL; JABS SYNDROME; ARTHROCUTANEOUVEAL GRANULOMATOSIS. Identifiers: Orphanet 90340, MedGen C5201146, MONDO:0008523, OMIM 186580.

Allele frequency attached by ClinVar (database versions not stated): gnomAD exomes below 0.00001.
gnomAD v4.1: 1 of 1,614,178 alleles (0.000062%); highest among the groups gnomAD compares: Non-Finnish European, 0.000085%; no homozygotes.

Submission:

Labcorp Genetics (formerly Invitae), Labcorp
Classification: Uncertain significance for Regional enteritis; Blau syndrome. Last evaluated: 2019-06-04. Review status: criteria provided, single submitter. Criteria: Invitae Variant Classification Sherloc (09022015). Collection method: clinical testing. Allele origin: germline.
Comment: This sequence change replaces asparagine with serine at codon 193 of the NOD2 protein (p.Asn193Ser). The asparagine residue is highly conserved and there is a small physicochemical difference between asparagine and serine. This variant is not present in population databases (ExAC no frequency). This variant has not been reported in the literature in individuals with NOD2-related conditions. Algorithms developed to predict the effect of missense changes on protein structure and function are either unavailable or do not agree on the potential impact of this missense change (SIFT: "Deleterious"; PolyPhen-2: "Probably Damaging"; Align-GVGD: "Class C0"). In summary, the available evidence is currently insufficient to determine the role of this variant in disease. Therefore, it has been classified as a Variant of Uncertain Significance.